The following is an entry in ClinVar:

ClinVar aggregate classification (germline): Uncertain significance (1 of 4 stars; one submission).

Conditions:
Epidermolysis bullosa simplex 5B, with muscular dystrophy (EBS5B). Also called: EPIDERMOLYSIS BULLOSA SIMPLEX AND LIMB-GIRDLE MUSCULAR DYSTROPHY; Epidermolysis bullosa simplex with muscular dystrophy. Identifiers: Orphanet 257, MedGen C2931072, MONDO:0009181, OMIM 226670.
Epidermolysis bullosa simplex 5C, with pyloric atresia (EBS5C). Also called: PLEC1-Related Epidermolysis Bullosa with Pyloric Atresia; PLEC-Related Epidermolysis Bullosa with Pyloric Atresia; Epidermolysis bullosa simplex with pyloric atresia. Identifiers: Orphanet 158684, MedGen C2677349, MONDO:0012807, OMIM 612138.
Epidermolysis bullosa simplex, Ogna type (EBS5A). Also called: Pidermolysis bullosa simplex 5A, Ogna type; EPIDERMOLYSIS BULLOSA SIMPLEX 5A, OGNA TYPE. Identifiers: Orphanet 79401, MedGen C0432317, MONDO:0007555, OMIM 131950.
Autosomal recessive limb-girdle muscular dystrophy type 2Q (LGMDR17). Also called: MUSCULAR DYSTROPHY, LIMB-GIRDLE, AUTOSOMAL RECESSIVE 17. Identifiers: Orphanet 254361, MedGen C3150989, MONDO:0013390, OMIM 613723.
Epidermolysis bullosa simplex with nail dystrophy (EBS5D). Identifiers: MedGen C4225309, MONDO:0014661, OMIM 616487.

Submission:

Labcorp Genetics (formerly Invitae), Labcorp
Classification: Uncertain significance for Autosomal recessive limb-girdle muscular dystrophy type 2Q; Epidermolysis bullosa simplex, Ogna type; Epidermolysis bullosa simplex with nail dystrophy; Epidermolysis bullosa simplex 5C, with pyloric atresia; Epidermolysis bullosa simplex 5B, with muscular dystrophy. Last evaluated: 2021-11-13. Review status: criteria provided, single submitter. Criteria: Invitae Variant Classification Sherloc (09022015). Collection method: clinical testing. Allele origin: germline.
Comment: This sequence change replaces phenylalanine, which is neutral and non-polar, with isoleucine, which is neutral and non-polar, at codon 2932 of the PLEC protein (p.Phe2932Ile). This variant is not present in population databases (gnomAD no frequency). This variant has not been reported in the literature in individuals affected with PLEC-related conditions. Algorithms developed to predict the effect of missense changes on protein structure and function are either unavailable or do not agree on the potential impact of this missense change (SIFT: "Deleterious"; PolyPhen-2: "Probably Damaging"; Align-GVGD: "Class C0"). In summary, the available evidence is currently insufficient to determine the role of this variant in disease. Therefore, it has been classified as a Variant of Uncertain Significance.

NM_201384.3(PLEC):c.8713T>A (p.Phe2905Ile)

Gene: PLEC (plectin; minus strand). Cytogenetic location: 8q24.3.
Variant type: single nucleotide variant.
Coding change: c.8713T>A on transcript NM_201384.3 (MANE Select); coding-DNA position 8713, T replaced by A.
Protein change: p.Phe2905Ile; replaces phenylalanine 2905 with isoleucine.
Molecular consequence: missense variant.
Genome position (GRCh38, 1-based): chr8:143,921,108, A>T on the plus strand (T>A on the coding strand, the complement: PLEC is on the minus strand). VCF-style: chr8-143921108-A-T. GRCh37 (hg19) VCF-style: chr8-144995276-A-T.
Other names: c.8794T>A, p.Phe2932Ile (NM_000445.5); c.8671T>A, p.Phe2891Ile (NM_201378.4); c.8647T>A, p.Phe2883Ile (NM_201379.3); c.9124T>A, p.Phe3042Ile (NM_201380.4); c.8617T>A, p.Phe2873Ile (NM_201381.3); c.8713T>A, p.Phe2905Ile (NM_201382.4); c.8725T>A, p.Phe2909Ile (NM_201383.3); short protein forms F2883I, F2891I, F3042I, F2909I, F2932I, F2873I, F2905I.
Identifiers: ClinVar variation 1488674 (VCV001488674.6), dbSNP rs2131137770, ClinGen allele CA372515495.